The following is an entry in ClinVar:

ClinVar aggregate classification (germline): Uncertain significance. Review status: criteria provided, multiple submitters, no conflicts (2 of 4 stars). 5 submissions from 5 submitters: Uncertain significance (5). Last evaluated 2025-11-24.

Conditions:
Inborn genetic diseases. Identifiers: MedGen C0950123, MeSH D030342.
3M syndrome 2. Also called: THREE M SYNDROME 2; 3-M Syndrome, OBSL1-Related. Identifiers: Orphanet 2616, MedGen C2752041, MONDO:0013039, OMIM 612921.

Allele frequency attached by ClinVar (database versions not stated): gnomAD 0.00003 and 0.00004; TOPMed 0.00003.
gnomAD v4.1: 85 of 1,606,078 alleles (0.0053%); highest among the groups gnomAD compares: Middle Eastern, 0.017%; no homozygotes.

Submissions (5):

Ambry Genetics
Classification: Uncertain significance for Inborn genetic diseases. Last evaluated: 2025-11-24. Review status: criteria provided, single submitter. Criteria: Ambry Variant Classification Scheme 2023. Collection method: clinical testing. Allele origin: germline.

CeGaT Center for Human Genetics Tuebingen
Classification: Uncertain significance. Last evaluated: 2024-12-01. Review status: criteria provided, single submitter. Criteria: CeGaT Center For Human Genetics Tuebingen Variant Classification Criteria Version 2. Collection method: clinical testing. Allele origin: germline. Affected: yes. Observed: 1 variant allele.
Comment: OBSL1: PM2

Blueprint Genetics
Classification: Uncertain significance. Last evaluated: 2024-07-23. Review status: criteria provided, single submitter. Criteria: ACMG Guidelines, 2015. Collection method: clinical testing. Allele origin: germline.

Labcorp Genetics (formerly Invitae), Labcorp
Classification: Uncertain significance. Last evaluated: 2022-07-03. Review status: criteria provided, single submitter. Criteria: Invitae Variant Classification Sherloc (09022015). Collection method: clinical testing. Allele origin: germline.
Comment: This sequence change replaces arginine, which is basic and polar, with cysteine, which is neutral and slightly polar, at codon 1098 of the OBSL1 protein (p.Arg1098Cys). This variant is present in population databases (rs768636811, gnomAD 0.009%). This variant has not been reported in the literature in individuals affected with OBSL1-related conditions. ClinVar contains an entry for this variant (Variation ID: 1011464). Algorithms developed to predict the effect of missense changes on protein structure and function are either unavailable or do not agree on the potential impact of this missense change (SIFT: "Deleterious"; PolyPhen-2: "Benign"; Align-GVGD: "Class C0"). Algorithms developed to predict the effect of sequence changes on RNA splicing suggest that this variant may create or strengthen a splice site. In summary, the available evidence is currently insufficient to determine the role of this variant in disease. Therefore, it has been classified as a Variant of Uncertain Significance.

Fulgent Genetics
Classification: Uncertain significance for 3M syndrome 2. Last evaluated: 2021-07-27. Review status: criteria provided, single submitter. Criteria: ACMG Guidelines, 2015. Collection method: clinical testing. Allele origin: unknown.

NM_015311.3(OBSL1):c.3292C>T (p.Arg1098Cys)

Gene: OBSL1 (obscurin like cytoskeletal adaptor 1; minus strand). Cytogenetic location: 2q35.
Variant type: single nucleotide variant.
Coding change: c.3292C>T on transcript NM_015311.3 (MANE Select); coding-DNA position 3292, C replaced by T.
Protein change: p.Arg1098Cys; replaces arginine 1098 with cysteine.
Molecular consequence: missense variant.
Genome position (GRCh38, 1-based): chr2:219,558,394, G>A on the plus strand (C>T on the coding strand, the complement: OBSL1 is on the minus strand). VCF-style: chr2-219558394-G-A. GRCh37 (hg19) VCF-style: chr2-220423116-G-A.
Other names: c.3292C>T, p.Arg1098Cys (NM_001173431.2); c.3292C>T (NM_015311.2); short protein forms R1098C.
Identifiers: ClinVar variation 1011464 (VCV001011464.21), dbSNP rs768636811, ClinGen allele CA2130904.